The following is an entry in ClinVar:

NM_000051.4(ATM):c.7196A>G (p.Gln2399Arg)

Genes: ATM (ATM serine/threonine kinase; plus strand), C11orf65 (chromosome 11 open reading frame 65; minus strand). Cytogenetic location: 11q22.3.
Variant type: single nucleotide variant.
Coding change: c.7196A>G on transcript NM_000051.4 (MANE Select); coding-DNA position 7196, A replaced by G.
Protein change: p.Gln2399Arg; replaces glutamine 2399 with arginine.
Molecular consequence: missense variant. On other transcripts: intron variant (2).
Genome position (GRCh38, 1-based): chr11:108,329,127, A>G. VCF-style: chr11-108329127-A-G. GRCh37 (hg19) VCF-style: chr11-108199854-A-G.
Other names: c.7196A>G, p.Gln2399Arg (NM_001351834.2); c.641-20056T>C (NM_001330368.2); c.*38+6093T>C (NM_001351110.2); short protein forms Q2399R.
Identifiers: ClinVar variation 573219 (VCV000573219.13), dbSNP rs1565526758, ClinGen allele CA382559605.

ClinVar aggregate classification (germline): Uncertain significance. Review status: criteria provided, multiple submitters, no conflicts (2 of 4 stars). 2 submissions from 2 submitters: Uncertain significance (2). Last evaluated 2025-06-09.

Conditions:
Hereditary cancer-predisposing syndrome. Also called: Hereditary Cancer Syndrome; Neoplastic Syndromes, Hereditary; Tumor predisposition; Hereditary neoplastic syndrome. Identifiers: Orphanet 140162, MedGen C0027672, MeSH D009386, MONDO:0015356.
Ataxia-telangiectasia syndrome (AT). Also called: Cerebello-oculocutaneous telangiectasia; Immunodeficiency with ataxia telangiectasia; Ataxia-telangiectasia, complementation group E; Ataxia-telangiectasia, complementation group D; AT, COMPLEMENTATION GROUP C; ATAXIA-TELANGIECTASIA, COMPLEMENTATION GROUP A. Identifiers: Orphanet 100, MedGen C0004135, MONDO:0008840, OMIM 208900.

Submissions (2):

Labcorp Genetics (formerly Invitae), Labcorp
Classification: Uncertain significance for Ataxia-telangiectasia syndrome. Last evaluated: 2025-06-09. Review status: criteria provided, single submitter. Criteria: Invitae Variant Classification Sherloc (09022015). Collection method: clinical testing. Allele origin: germline.
Comment: This sequence change replaces glutamine, which is neutral and polar, with arginine, which is basic and polar, at codon 2399 of the ATM protein (p.Gln2399Arg). This variant is not present in population databases (gnomAD no frequency). This variant has not been reported in the literature in individuals affected with ATM-related conditions. ClinVar contains an entry for this variant (Variation ID: 573219). Invitae Evidence Modeling of protein sequence and biophysical properties (such as structural, functional, and spatial information, amino acid conservation, physicochemical variation, residue mobility, and thermodynamic stability) has been performed for this missense variant. However, the output from this modeling did not meet the statistical confidence thresholds required to predict the impact of this variant on ATM protein function. In summary, the available evidence is currently insufficient to determine the role of this variant in disease. Therefore, it has been classified as a Variant of Uncertain Significance.

Ambry Genetics
Classification: Uncertain significance for Hereditary cancer-predisposing syndrome. Last evaluated: 2021-12-07. Review status: criteria provided, single submitter. Criteria: Ambry Variant Classification Scheme 2023. Collection method: clinical testing. Allele origin: germline.
Comment: The p.Q2399R variant (also known as c.7196A>G), located in coding exon 48 of the ATM gene, results from an A to G substitution at nucleotide position 7196. The glutamine at codon 2399 is replaced by arginine, an amino acid with highly similar properties. This amino acid position is highly conserved in available vertebrate species. In addition, the in silico prediction for this alteration is inconclusive. Since supporting evidence is limited at this time, the clinical significance of this alteration remains unclear.